The following is an entry in ClinVar:

NM_018249.6(CDK5RAP2):c.3978del (p.Met1326fs)

Gene: CDK5RAP2 (CDK5 regulatory subunit associated protein 2; minus strand). Cytogenetic location: 9q33.2.
Variant type: Deletion.
Coding change: c.3978del on transcript NM_018249.6 (MANE Select); coding-DNA position 3978, one base deleted (G; older notation c.3978delG).
Protein change: p.Met1326fs; shifts the reading frame from methionine 1326.
Molecular consequence: frameshift variant. On other transcripts: non-coding transcript variant (5).
Genome position (GRCh38, 1-based): chr9:120,422,719, C deleted on the plus strand (G on the coding strand, the reverse complement: CDK5RAP2 is on the minus strand). VCF-style (leftmost placement, unchanged base first): chr9-120422718-TC-T. GRCh37 (hg19) VCF-style: chr9-123184996-TC-T.
Other names: c.3978del, p.Met1326fs (NM_001011649.3); c.3288del, p.Met1096fs (NM_001272039.2); c.3879del, p.Met1293fs (NM_001410992.1); c.3882del, p.Met1294fs (NM_001410993.1); c.3975del, p.Met1325fs (NM_001410994.1); short protein forms M1096fs, M1293fs, M1294fs, M1325fs, M1326fs.
Identifiers: ClinVar variation 4850260 (VCV004850260.2).

ClinVar aggregate classification (germline): Likely pathogenic. Review status: criteria provided, multiple submitters, no conflicts (2 of 4 stars). 2 submissions from 2 submitters: Likely pathogenic (2). Last evaluated 2025-09-08.

Conditions:
Microcephaly 3, primary, autosomal recessive. Identifiers: Orphanet 2512, MedGen C1858108, MONDO:0011488, OMIM 604804.
CDK5RAP2-related disorder. Also called: CDK5RAP2-related condition.

Submissions (2):

First Genomix Gene Laboratory, Genetic Diagnostics Department
Classification: Likely pathogenic for Microcephaly 3, primary, autosomal recessive. Last evaluated: 2025-09-08. Review status: criteria provided, single submitter. Criteria: ACMG Guidelines, 2015. Collection method: clinical testing. Allele origin: germline. Inheritance: Autosomal recessive inheritance. Affected: no. Observed: 1 variant allele.

Blueprint Genetics
Classification: Likely pathogenic for CDK5RAP2-related disorders. Last evaluated: 2024-04-23. Review status: criteria provided, single submitter. Criteria: ACMG Guidelines, 2015. Collection method: clinical testing. Allele origin: germline. Affected: yes. Observed: 1 variant allele.